The following is an entry in ClinVar:

ClinVar aggregate classification (germline): Likely pathogenic (1 of 4 stars; one submission).

Conditions:
FOXC2-related disorder. Also called: FOXC2-related condition.

Submission:

PreventionGenetics, part of Exact Sciences
Classification: Likely pathogenic for FOXC2-related condition. Last evaluated: 2024-10-03. Review status: criteria provided, single submitter. Criteria: ACMG Guidelines, 2015. Collection method: clinical testing. Allele origin: germline.
Comment: The FOXC2 c.1308delC variant is predicted to result in a frameshift and premature protein termination (p.Gly437Alafs*35). To our knowledge, this variant has not been reported in the literature or in a large population database (gnomAD), indicating this variant is rare. Frameshift variants in FOXC2 are expected to be pathogenic. This variant is interpreted as likely pathogenic.

NM_005251.3(FOXC2):c.1308del (p.Gly437fs)

Gene: FOXC2 (forkhead box C2; plus strand). Cytogenetic location: 16q24.1.
Variant type: Deletion.
Coding change: c.1308del on transcript NM_005251.3 (MANE Select); coding-DNA position 1308, one base deleted (C; older notation c.1308delC).
Protein change: p.Gly437fs; shifts the reading frame from glycine 437.
Molecular consequence: frameshift variant.
Genome position (GRCh38, 1-based): chr16:86,568,643, C deleted; the last of 4 consecutive C bases (chr16:86,568,640-86,568,643); deleting any one gives the same sequence. VCF-style (leftmost placement, unchanged base first): chr16-86568639-TC-T. GRCh37 (hg19) VCF-style: chr16-86602245-TC-T.
Other names: short protein forms G437fs.
Identifiers: ClinVar variation 4981980 (VCV004981980.1).